The following is an entry in ClinVar:

ClinVar aggregate classification (germline): Uncertain significance. Review status: criteria provided, multiple submitters, no conflicts (2 of 4 stars). 2 submissions from 2 submitters: Uncertain significance (2). Last evaluated 2025-10-07.

Conditions:
Combined immunodeficiency with skin granulomas. Identifiers: Orphanet 157949, MedGen C2673536, MONDO:0009306, OMIM 233650.
Severe combined immunodeficiency, autosomal recessive, T cell-negative, B cell-negative, NK cell-positive. Also called: SCID, T CELL-NEGATIVE, B CELL-NEGATIVE, NK CELL-POSITIVE; Severe combined immunodeficiency due to complete RAG1/2 deficiency; SCID, AR, T-cell negative, B-cell negative, NK cell-positive. Identifiers: Orphanet 331206, MedGen C1832322, MONDO:0011086, OMIM 601457.
Inborn genetic diseases. Identifiers: MedGen C0950123, MeSH D030342.

Allele frequency attached by ClinVar (database versions not stated): gnomAD 0.00001 and 0.00002; gnomAD exomes 0.00002 and 0.00004; TOPMed 0.00002; ExAC 0.00003.
gnomAD v4.1: 16 of 1,614,098 alleles (0.00099%); highest among the groups gnomAD compares: Admixed American, 0.023%; no homozygotes.

Submissions (2):

Ambry Genetics
Classification: Uncertain significance for Inborn genetic diseases. Last evaluated: 2025-10-07. Review status: criteria provided, single submitter. Criteria: Ambry Variant Classification Scheme 2023. Collection method: clinical testing. Allele origin: germline.

Labcorp Genetics (formerly Invitae), Labcorp
Classification: Uncertain significance for Combined immunodeficiency with skin granulomas; Severe combined immunodeficiency, autosomal recessive, T cell-negative, B cell-negative, NK cell-positive. Last evaluated: 2022-08-15. Review status: criteria provided, single submitter. Criteria: Invitae Variant Classification Sherloc (09022015). Collection method: clinical testing. Allele origin: germline.
Comment: This sequence change replaces valine, which is neutral and non-polar, with alanine, which is neutral and non-polar, at codon 387 of the RAG1 protein (p.Val387Ala). This variant is present in population databases (rs771237578, gnomAD 0.03%). This variant has not been reported in the literature in individuals affected with RAG1-related conditions. ClinVar contains an entry for this variant (Variation ID: 953754). Advanced modeling of protein sequence and biophysical properties (such as structural, functional, and spatial information, amino acid conservation, physicochemical variation, residue mobility, and thermodynamic stability) performed at Invitae indicates that this missense variant is not expected to disrupt RAG1 protein function. In summary, the available evidence is currently insufficient to determine the role of this variant in disease. Therefore, it has been classified as a Variant of Uncertain Significance.

NM_000448.3(RAG1):c.1160T>C (p.Val387Ala)

Gene: RAG1 (recombination activating 1; plus strand). Cytogenetic location: 11p12.
Variant type: single nucleotide variant.
Coding change: c.1160T>C on transcript NM_000448.3 (MANE Select); coding-DNA position 1160, T replaced by C.
Protein change: p.Val387Ala; replaces valine 387 with alanine.
Molecular consequence: missense variant.
Genome position (GRCh38, 1-based): chr11:36,574,464, T>C. VCF-style: chr11-36574464-T-C. GRCh37 (hg19) VCF-style: chr11-36596014-T-C.
Other names: c.1160T>C, p.Val387Ala (NM_001377277.1, NM_001377278.1, NM_001377279.1 and 1 more transcripts); short protein forms V387A.
Identifiers: ClinVar variation 953754 (VCV000953754.6), dbSNP rs771237578, ClinGen allele CA5950105.